The following is an entry in ClinVar:

NM_000092.5(COL4A4):c.4538G>A (p.Cys1513Tyr)

Gene: COL4A4 (collagen type IV alpha 4 chain; minus strand). Cytogenetic location: 2q36.3.
Variant type: single nucleotide variant.
Coding change: c.4538G>A on transcript NM_000092.5 (MANE Select); coding-DNA position 4538, G replaced by A.
Protein change: p.Cys1513Tyr; replaces cysteine 1513 with tyrosine.
Molecular consequence: missense variant.
Genome position (GRCh38, 1-based): chr2:227,008,289, C>T on the plus strand (G>A on the coding strand, the complement: COL4A4 is on the minus strand). VCF-style: chr2-227008289-C-T. GRCh37 (hg19) VCF-style: chr2-227873005-C-T.
Other names: c.4538G>A (NM_000092.4); short protein forms C1513Y.
Identifiers: ClinVar variation 1017229 (VCV001017229.11), dbSNP rs1962651394, ClinGen allele CA351141018.

ClinVar aggregate classification (germline): Conflicting classifications of pathogenicity. Review status: criteria provided, conflicting classifications (1 of 4 stars). 5 submissions from 5 submitters: Pathogenic (1); Likely pathogenic (3); Uncertain significance (1). Last evaluated 2026-01-09.

Conditions:
Hematuria, benign familial, 1 (BFH1). Also called: THIN MEMBRANE NEPHROPATHY. Identifiers: MedGen CN376803, MONDO:0007709, OMIM 141200.
Autosomal recessive Alport syndrome (ATS2). Also called: ALPORT SYNDROME 2, AUTOSOMAL RECESSIVE; COL4A4 Alport Syndrome and Thin Basement Membrane Nephropathy; COL4A3-Related Nephropathy; Alport syndrome type 2. Identifiers: Orphanet 63, Orphanet 88919, MedGen C4746745, MONDO:0008762, OMIM 203780.
Alport syndrome. Also called: Hemorrhagic familial nephritis; Hemorrhagic hereditary nephritis; Congenital hereditary hematuria. Identifiers: Orphanet 63, MedGen C1567741, MONDO:0018965.
Hematuria. Identifiers: MedGen C0018965, HP:0000790.

Allele frequency attached by ClinVar (database versions not stated): gnomAD exomes 0.00001.
gnomAD v4.1: 19 of 1,614,238 alleles (0.0012%); highest among the groups gnomAD compares: Non-Finnish European, 0.0016%; no homozygotes.

Submissions (5):

Genetics Laboratory, Great Ormond Street Hospital NHS Foundation Trust, North Thames Genomic Laboratory Hub
Classification: Likely pathogenic for Haematuria. Last evaluated: 2026-01-09. Review status: criteria provided, single submitter. Criteria: ACGS Best Practice Guidelines for Variant Classification in Rare Disease 2024 v1.2. Collection method: clinical testing. Allele origin: germline. Affected: yes.
Comment: PS4_moderate, PM2_moderate, PP3_supporting, PP4_supporting

Labcorp Genetics (formerly Invitae), Labcorp
Classification: Pathogenic. Last evaluated: 2025-11-13. Review status: criteria provided, single submitter. Criteria: Invitae Variant Classification Sherloc (09022015). Collection method: clinical testing. Allele origin: germline.
Comment: This sequence change replaces cysteine, which is neutral and slightly polar, with tyrosine, which is neutral and polar, at codon 1513 of the COL4A4 protein (p.Cys1513Tyr). This variant is not present in population databases (gnomAD no frequency). This missense change has been observed in individual(s) with Alport syndrome (PMID: 24052634; internal data). In at least one individual the data is consistent with being in trans (on the opposite chromosome) from a pathogenic variant. ClinVar contains an entry for this variant (Variation ID: 1017229). Invitae Evidence Modeling of protein sequence and biophysical properties (such as structural, functional, and spatial information, amino acid conservation, physicochemical variation, residue mobility, and thermodynamic stability) has been performed for this missense variant. However, the output from this modeling did not meet the statistical confidence thresholds required to predict the impact of this variant on COL4A4 protein function. For these reasons, this variant has been classified as Pathogenic.

Myriad Genetics, Inc.
Classification: Likely pathogenic for Alport syndrome. Last evaluated: 2025-10-14. Review status: criteria provided, single submitter. Criteria: Myriad Autosomal Dominant, Autosomal Recessive and X-Linked Classification Criteria (2023). Collection method: clinical testing. Allele origin: unknown.
Comment: NM_000092.4(COL4A4):c.4538G>A(C1513Y) is a missense variant classified as likely pathogenic in the context of Alport syndrome, COL4A4-related. C1513Y has been observed in a case with relevant disease (PMID: 24052634). Relevant functional assessments of this variant are not available in the literature. C1513Y has not been observed in referenced population frequency databases. In summary, NM_000092.4(COL4A4):c.4538G>A(C1513Y) is a missense variant that has internal structural support for pathogenicity and has been observed more frequently in cases with the relevant disease than in healthy populations. Please note: this variant was assessed in the context of healthy population screening.

Fulgent Genetics
Classification: Likely pathogenic for Hematuria, benign familial, 1; Autosomal recessive Alport syndrome. Last evaluated: 2024-05-09. Review status: criteria provided, single submitter. Criteria: ACMG Guidelines, 2015. Collection method: clinical testing. Allele origin: germline.

Revvity Omics, Revvity
Classification: Uncertain significance. Last evaluated: 2024-02-27. Review status: criteria provided, single submitter. Criteria: ACMG Guidelines, 2015. Collection method: clinical testing. Allele origin: germline.

Literature cited by the submitters: PubMed 24052634 (cited by Labcorp Genetics (formerly Invitae), Labcorp and Myriad Genetics, Inc.).